The following is an entry in ClinVar:

NM_006494.4(ERF):c.933del (p.Lys311fs)

Gene: ERF (ETS2 repressor factor; minus strand). Cytogenetic location: 19q13.2.
Variant type: Deletion.
Coding change: c.933del on transcript NM_006494.4 (MANE Select); coding-DNA position 933, one base deleted (A; older notation c.933delA).
Protein change: p.Lys311fs; shifts the reading frame from lysine 311.
Molecular consequence: frameshift variant.
Genome position (GRCh38, 1-based): chr19:42,249,179, T deleted on the plus strand (A on the coding strand, the reverse complement: ERF is on the minus strand); the first of 3 consecutive T bases (chr19:42,249,179-42,249,181); deleting any one gives the same sequence. VCF-style (leftmost placement, unchanged base first): chr19-42249178-GT-G. GRCh37 (hg19) VCF-style: chr19-42753330-GT-G.
Other names: c.708del, p.Lys236fs (NM_001301035.2, NM_001308402.2, NM_001312656.2 and 1 more transcripts); c.126del, p.Lys42fs (NM_001440421.1); short protein forms K236fs, K311fs, K42fs.
Identifiers: ClinVar variation 4755777 (VCV004755777.2).

ClinVar aggregate classification (germline): Likely pathogenic (1 of 4 stars; one submission).

Submission:

GeneDx
Classification: Likely pathogenic. Last evaluated: 2026-02-26. Review status: criteria provided, single submitter. Criteria: GeneDx Variant Classification Process June 2021. Collection method: clinical testing. Allele origin: germline.
Comment: Frameshift variant predicted to result in abnormal protein length as the last 238 amino acid(s) are replaced with 85 different amino acid(s), and other similar variants have been reported in HGMD; Not observed at significant frequency in large population cohorts (gnomAD); Has not been previously published as pathogenic or benign to our knowledge